The following is an entry in ClinVar:

NM_001365276.2(TNXB):c.10427T>A (p.Phe3476Tyr)

Gene: TNXB (tenascin XB; minus strand). Cytogenetic location: 6p21.33.
Variant type: single nucleotide variant.
Coding change: c.10427T>A on transcript NM_001365276.2 (MANE Select); coding-DNA position 10427, T replaced by A.
Protein change: p.Phe3476Tyr; replaces phenylalanine 3476 with tyrosine.
Molecular consequence: missense variant.
Genome position (GRCh38, 1-based): chr6:32,046,354, A>T on the plus strand (T>A on the coding strand, the complement: TNXB is on the minus strand). VCF-style: chr6-32046354-A-T. GRCh37 (hg19) VCF-style: chr6-32014131-A-T.
Other names: c.11168T>A, p.Phe3723Tyr (NM_001428335.1); c.10421T>A, p.Phe3474Tyr (NM_019105.8); short protein forms F3474Y, F3476Y, F3723Y.
Identifiers: ClinVar variation 3809345 (VCV003809345.1).

ClinVar aggregate classification (germline): Uncertain significance (1 of 4 stars; one submission).

Conditions:
Cardiovascular phenotype. Identifiers: MedGen CN230736.

Submission:

Ambry Genetics
Classification: Uncertain significance for Cardiovascular phenotype. Last evaluated: 2025-01-31. Review status: criteria provided, single submitter. Criteria: Ambry Variant Classification Scheme 2023. Collection method: clinical testing. Allele origin: germline.
Comment: The p.F3474Y variant (also known as c.10421T>A), located in coding exon 30 of the TNXB gene, results from a T to A substitution at nucleotide position 10421. The phenylalanine at codon 3474 is replaced by tyrosine, an amino acid with highly similar properties. This amino acid position is conserved. In addition, this alteration is predicted to be tolerated by in silico analysis. Based on the available evidence, the clinical significance of this variant remains unclear.